The following is an entry in ClinVar:

NM_000138.5(FBN1):c.6414del (p.Lys2138fs)

Gene: FBN1 (fibrillin 1; minus strand). Cytogenetic location: 15q21.1.
Variant type: Deletion.
Coding change: c.6414del on transcript NM_000138.5 (MANE Select); coding-DNA position 6414, one base deleted (A; older notation c.6414delA).
Protein change: p.Lys2138fs; shifts the reading frame from lysine 2138.
Molecular consequence: frameshift variant.
Genome position (GRCh38, 1-based): chr15:48,437,043, T deleted on the plus strand (A on the coding strand, the reverse complement: FBN1 is on the minus strand); the first of 3 consecutive T bases (chr15:48,437,043-48,437,045); deleting any one gives the same sequence. VCF-style (leftmost placement, unchanged base first): chr15-48437042-GT-G. GRCh37 (hg19) VCF-style: chr15-48729239-GT-G.
Other names: short protein forms K2138fs.
Identifiers: ClinVar variation 549343 (VCV000549343.19), dbSNP rs1555395205, ClinGen allele CA658824939.

ClinVar aggregate classification (germline): Pathogenic. Review status: criteria provided, multiple submitters, no conflicts (2 of 4 stars). 3 submissions from 3 submitters: Pathogenic (2). 1 of the submissions does not count toward it. Last evaluated 2025-11-01.

Conditions:
Familial thoracic aortic aneurysm and aortic dissection (TAAD). Also called: Thoracic aortic aneurysms and dissections. Identifiers: Orphanet 91387, MedGen C4707243, MONDO:0019625.
Marfan syndrome (MFS). Also called: Marfan syndrome type 1; Marfan syndrome, classic; Marfan's syndrome; FBN1-Related Marfan Syndrome; MARFAN SYNDROME, TYPE I. Identifiers: Orphanet 284963, Orphanet 558, MedGen C0024796, MONDO:0007947, OMIM 154700.

Submissions (3):

Labcorp Genetics (formerly Invitae), Labcorp
Classification: Pathogenic for Marfan syndrome; Familial thoracic aortic aneurysm and aortic dissection. Last evaluated: 2025-11-01. Review status: criteria provided, single submitter. Criteria: Invitae Variant Classification Sherloc (09022015). Collection method: clinical testing. Allele origin: germline.
Comment: This sequence change creates a premature translational stop signal (p.Lys2138Asnfs*22) in the FBN1 gene. It is expected to result in an absent or disrupted protein product. Loss-of-function variants in FBN1 are known to be pathogenic (PMID: 17657824, 19293843). This variant is not present in population databases (gnomAD no frequency). This premature translational stop signal has been observed in individual(s) with Marfan syndrome (PMID: 21542060). ClinVar contains an entry for this variant (Variation ID: 549343). For these reasons, this variant has been classified as Pathogenic.

Centre of Medical Genetics, University of Antwerp
Classification: Pathogenic for Marfan syndrome. Last evaluated: 2021-03-01. Review status: criteria provided, single submitter. Criteria: Submitter's publication. Collection method: research. Allele origin: unknown. Affected: yes.
Comment: PM2, PVS1, PP4

Center for Medical Genetics Ghent, University of Ghent
Classification: Likely pathogenic for Marfan syndrome. Last evaluated: 2017-11-07. Review status: no assertion criteria provided. Collection method: clinical testing. Allele origin: germline. Affected: yes. Not counted in ClinVar's aggregate classification.

Literature cited by the submitters: PubMed 17657824 (cited by Labcorp Genetics (formerly Invitae), Labcorp); PubMed 19293843 (cited by Labcorp Genetics (formerly Invitae), Labcorp); PubMed 21542060 (cited by Labcorp Genetics (formerly Invitae), Labcorp).